The following is an entry in ClinVar:

NM_004281.4(BAG3):c.1114C>G (p.Pro372Ala)

Gene: BAG3 (BAG cochaperone 3; plus strand). Cytogenetic location: 10q26.11.
Variant type: single nucleotide variant.
Coding change: c.1114C>G on transcript NM_004281.4 (MANE Select); coding-DNA position 1114, C replaced by G.
Protein change: p.Pro372Ala; replaces proline 372 with alanine.
Molecular consequence: missense variant.
Genome position (GRCh38, 1-based): chr10:119,676,668, C>G. VCF-style: chr10-119676668-C-G. GRCh37 (hg19) VCF-style: chr10-121436180-C-G.
Other names: short protein forms P372A.
Identifiers: ClinVar variation 4867326 (VCV004867326.1).
Genomic context (GRCh38, chr10:119,676,668, plus strand): 5'-TCCCAGAAGCCCCCACCTCCCTCTGAGAAGGTAGAGGTGAAAGTTCCCCCTGCTCCAGTT[C>G]CTTGTCCTCCTCCCAGCCCTGGCCCTTCTGCTGTCCCCTCTTCCCCCAAGAGTGTGGCTA-3'
Protein context (NP_004272.2, residues 362-382): VEVKVPPAPV[Pro372Ala]CPPPSPGPSA

ClinVar aggregate classification (germline): Uncertain significance (1 of 4 stars; one submission).

Conditions:
Cardiovascular phenotype. Identifiers: MedGen CN230736.

Submission:

Ambry Genetics
Classification: Uncertain significance for Cardiovascular phenotype. Last evaluated: 2026-03-30. Review status: criteria provided, single submitter. Criteria: Ambry Variant Classification Scheme 2023. Collection method: clinical testing. Allele origin: germline.
Comment: The p.P372A variant (also known as c.1114C>G), located in coding exon 4 of the BAG3 gene, results from a C to G substitution at nucleotide position 1114. The proline at codon 372 is replaced by alanine, an amino acid with highly similar properties. This amino acid position is conserved. In addition, this alteration is predicted to be tolerated by in silico analysis. Based on the available evidence, the clinical significance of this variant remains unclear.